The following is an entry in ClinVar:

NM_001267550.2(TTN):c.42321T>A (p.His14107Gln)

Gene: TTN (titin; minus strand). Cytogenetic location: 2q31.2.
Variant type: single nucleotide variant.
Coding change: c.42321T>A on transcript NM_001267550.2 (MANE Select); coding-DNA position 42321, T replaced by A.
Protein change: p.His14107Gln; replaces histidine 14107 with glutamine.
Molecular consequence: missense variant.
Genome position (GRCh38, 1-based): chr2:178,634,460, A>T on the plus strand (T>A on the coding strand, the complement: TTN is on the minus strand). VCF-style: chr2-178634460-A-T. GRCh37 (hg19) VCF-style: chr2-179499187-A-T.
Other names: c.37398T>A, p.His12466Gln (NM_001256850.1); c.15126T>A, p.His5042Gln (NM_003319.4); c.34617T>A, p.His11539Gln (NM_133378.4); c.15501T>A, p.His5167Gln (NM_133432.3); c.15702T>A, p.His5234Gln (NM_133437.4); short protein forms H11539Q, H14107Q, H5234Q, H12466Q, H5042Q, H5167Q.
Identifiers: ClinVar variation 191969 (VCV000191969.1), dbSNP rs786205308, ClinGen allele CA237992.

ClinVar aggregate classification (germline): Uncertain significance (1 of 4 stars; one submission).

Submission:

Biesecker Lab/Clinical Genomics Section, National Institutes of Health
Classification: Uncertain significance. Last evaluated: 2013-06-24. Review status: criteria provided, single submitter. Criteria: Ng et al. (Circ Cardiovasc Genet. 2013). Collection method: research. Allele origin: unknown. Observed: 1 variant allele. Study: ClinSeq.
Comment: The study set was not selected for affection status in relation to any cancer. Pathogenicity categories were based on literature curation. See Pubmed ID:23861362 for details.

Medical sequencing